The following is an entry in ClinVar:

NM_002224.4(ITPR3):c.389A>G (p.Asn130Ser)

Gene: ITPR3 (inositol 1,4,5-trisphosphate receptor type 3; plus strand). Cytogenetic location: 6p21.31.
Variant type: single nucleotide variant.
Coding change: c.389A>G on transcript NM_002224.4 (MANE Select); coding-DNA position 389, A replaced by G.
Protein change: p.Asn130Ser; replaces asparagine 130 with serine.
Molecular consequence: missense variant.
Genome position (GRCh38, 1-based): chr6:33,658,689, A>G. VCF-style: chr6-33658689-A-G. GRCh37 (hg19) VCF-style: chr6-33626466-A-G.
Other names: short protein forms N130S.
Identifiers: ClinVar variation 4769445 (VCV004769445.1).
Genomic context (GRCh38, chr6:33,658,689, plus strand): 5'-CTGTGGCGCGGTGACCTTCCCGCACCCCACCTGACCCCCAGCTCCTGCACATGAAGAGCA[A>G]CAAGTACCTGACAGTGAACAAGCGGCTTCCGGCCTTGCTGGAGAAGAACGCCATGCGGGT-3'
Protein context (NP_002215.2, residues 120-140): SVIQLLHMKS[Asn130Ser]KYLTVNKRLP

ClinVar aggregate classification (germline): Uncertain significance (1 of 4 stars; one submission).

Submission:

Labcorp Genetics (formerly Invitae), Labcorp
Classification: Uncertain significance. Last evaluated: 2025-06-19. Review status: criteria provided, single submitter. Criteria: Invitae Variant Classification Sherloc (09022015). Collection method: clinical testing. Allele origin: germline.
Comment: This sequence change replaces asparagine, which is neutral and polar, with serine, which is neutral and polar, at codon 130 of the ITPR3 protein (p.Asn130Ser). This variant is not present in population databases (gnomAD no frequency). This variant has not been reported in the literature in individuals affected with ITPR3-related conditions. Invitae Evidence Modeling of protein sequence and biophysical properties (such as structural, functional, and spatial information, amino acid conservation, physicochemical variation, residue mobility, and thermodynamic stability) indicates that this missense variant is not expected to disrupt ITPR3 protein function with a negative predictive value of 80%. In summary, the available evidence is currently insufficient to determine the role of this variant in disease. Therefore, it has been classified as a Variant of Uncertain Significance.